The following is an entry in ClinVar:

NM_205850.3(SLC24A5):c.1361T>A (p.Leu454Ter)

Genes: SLC24A5 (solute carrier family 24 member 5; plus strand), MYEF2 (myelin expression factor 2; minus strand). Cytogenetic location: 15q21.1.
Variant type: single nucleotide variant.
Coding change: c.1361T>A on transcript NM_205850.3 (MANE Select); coding-DNA position 1361, T replaced by A.
Protein change: p.Leu454Ter; replaces leucine 454 with a stop codon.
Molecular consequence: nonsense. On other transcripts: 3 prime UTR variant (2).
Genome position (GRCh38, 1-based): chr15:48,142,209, T>A. VCF-style: chr15-48142209-T-A. GRCh37 (hg19) VCF-style: chr15-48434406-T-A.
Other names: c.*699A>T (NM_001301210.2, NM_016132.5); short protein forms L454*.
Identifiers: ClinVar variation 452948 (VCV000452948.9), dbSNP rs372932575, ClinGen allele CA7546116.

ClinVar aggregate classification (germline): Pathogenic/Likely pathogenic. Review status: criteria provided, multiple submitters, no conflicts (2 of 4 stars). 3 submissions from 3 submitters: Pathogenic (1); Likely pathogenic (2). Last evaluated 2025-12-03.

Conditions:
SLC24A5-related disorder. Also called: SLC24A5-related condition.

Allele frequency attached by ClinVar (database versions not stated): ExAC 0.00003; gnomAD 0.00003 and 0.00005; gnomAD exomes 0.00004; TOPMed 0.00005; ESP Exome Variant Server 0.00008.
gnomAD v4.1: 79 of 1,613,752 alleles (0.0049%); highest among the groups gnomAD compares: Non-Finnish European, 0.0064%; no homozygotes.

Submissions (3):

Labcorp Genetics (formerly Invitae), Labcorp
Classification: Pathogenic. Last evaluated: 2025-12-03. Review status: criteria provided, single submitter. Criteria: Invitae Variant Classification Sherloc (09022015). Collection method: clinical testing. Allele origin: germline.
Comment: This sequence change creates a premature translational stop signal (p.Leu454*) in the SLC24A5 gene. While this is not anticipated to result in nonsense mediated decay, it is expected to disrupt the last 47 amino acid(s) of the SLC24A5 protein. This variant is present in population databases (rs372932575, gnomAD 0.006%). This premature translational stop signal has been observed in individuals with oculocutaneous albinism (PMID: 29345414). ClinVar contains an entry for this variant (Variation ID: 452948). This variant disrupts a region of the SLC24A5 protein in which other variant(s) (p.Leu454Phefs*33) have been determined to be pathogenic (PMID: 23364476, 31077556). This suggests that this is a clinically significant region of the protein, and that variants that disrupt it are likely to be disease-causing. For these reasons, this variant has been classified as Pathogenic.

Blueprint Genetics
Classification: Likely pathogenic for SLC24A5-related disorders. Last evaluated: 2021-07-12. Review status: criteria provided, single submitter. Criteria: ACMG Guidelines, 2015. Collection method: clinical testing. Allele origin: germline. Affected: yes. Observed: 3 variant alleles.

GeneDx
Classification: Likely pathogenic. Last evaluated: 2021-01-11. Review status: criteria provided, single submitter. Criteria: GeneDx Variant Classification Process June 2021. Collection method: clinical testing. Allele origin: germline. Affected: yes.
Comment: Nonsense variant in the C-terminus predicted to result in protein truncation, as the last 47 amino acids are lost, and other loss-of-function variants have been reported downstream in the Human Gene Mutation Database (Stenson et al., 2014); This variant is associated with the following publications: (PMID: 29345414, 31486119, 30398625)

Literature cited by the submitters: PubMed 29345414 (cited by Labcorp Genetics (formerly Invitae), Labcorp); PubMed 23364476 (cited by Labcorp Genetics (formerly Invitae), Labcorp); PubMed 31077556 (cited by Labcorp Genetics (formerly Invitae), Labcorp).